The following is an entry in ClinVar:

ClinVar aggregate classification (germline): Benign (0 of 4 stars; one submission).

Conditions:
KIF4B-related disorder. Also called: KIF4B-related condition.

Allele frequency attached by ClinVar (database versions not stated): gnomAD exomes 0.00059; gnomAD 0.00104; TOPMed 0.00109; ExAC 0.00205; 1000 Genomes Project 30x 0.00625; 1000 Genomes Project 0.00679.

Submission:

PreventionGenetics, part of Exact Sciences
Classification: Benign for KIF4B-related condition. Last evaluated: 2019-10-28. Review status: no assertion criteria provided. Collection method: clinical testing. Allele origin: germline.
Comment: This variant is classified as benign based on ACMG/AMP sequence variant interpretation guidelines (Richards et al. 2015 PMID: 25741868, with internal and published modifications).

NM_001099293.3(KIF4B):c.1566G>A (p.Met522Ile)

Gene: KIF4B (kinesin family member 4B; plus strand). Cytogenetic location: 5q33.2.
Variant type: single nucleotide variant.
Coding change: c.1566G>A on transcript NM_001099293.3 (MANE Select); coding-DNA position 1566, G replaced by A.
Protein change: p.Met522Ile; replaces methionine 522 with isoleucine.
Molecular consequence: missense variant.
Genome position (GRCh38, 1-based): chr5:155,015,425, G>A. VCF-style: chr5-155015425-G-A. GRCh37 (hg19) VCF-style: chr5-154394985-G-A.
Other names: short protein forms M522I.
Identifiers: ClinVar variation 3053283 (VCV003053283.2), dbSNP rs78450697, ClinGen allele CA3530051.